The following is an entry in ClinVar:

NM_022841.7(RFX7):c.1554G>A (p.Ser518=)

Gene: RFX7 (regulatory factor X7; minus strand). Cytogenetic location: 15q21.3.
Variant type: single nucleotide variant.
Coding change: c.1554G>A on transcript NM_022841.7 (MANE Select); coding-DNA position 1554, G replaced by A.
Protein change: p.Ser518=; no amino-acid change (serine 518 retained).
Molecular consequence: synonymous variant.
Genome position (GRCh38, 1-based): chr15:56,096,174, C>T on the plus strand (G>A on the coding strand, the complement: RFX7 is on the minus strand). VCF-style: chr15-56096174-C-T. GRCh37 (hg19) VCF-style: chr15-56388372-C-T.
Other names: c.1263G>A, p.Ser421= (NM_001368073.2, NM_001368074.1, NM_001370554.1); c.1554G>A, p.Ser518= (NM_001370561.1).
Identifiers: ClinVar variation 4534327 (VCV004534327.6).
Genomic context (GRCh38, chr15:56,096,174, plus strand): 5'-TTTGACTTCCACAGCAGATGTTCCCCCCGCACTGCTGCTCCTGGACCCAGGAGACTGAAG[C>T]GACACGACAGAACCATTCTTGATCTGTGGAACACTCCTTGATTCTTCTGTTGTTCCTGTA-3'
Protein context (NP_073752.6, residues 508-528): VPQIKNGSVV[Ser518=]LQSPGSRSSS

ClinVar aggregate classification (germline): Likely benign (1 of 4 stars; one submission).

gnomAD v4.1: 508 of 1,613,866 alleles (0.031%); highest among the groups gnomAD compares: East Asian, 0.047%; no homozygotes.

Submission:

CeGaT Center for Human Genetics Tuebingen
Classification: Likely benign. Last evaluated: 2025-10-01. Review status: criteria provided, single submitter. Criteria: CeGaT Center For Human Genetics Tuebingen Variant Classification Criteria Version 2. Collection method: clinical testing. Allele origin: germline. Affected: yes. Observed: 1 variant allele.
Comment: RFX7: BP4, BP7